The following is an entry in ClinVar:

NM_001387430.1(SH2B1):c.1803C>T (p.Leu601=)

Gene: SH2B1 (SH2B adaptor protein 1; plus strand). Cytogenetic location: 16p11.2.
Variant type: single nucleotide variant.
Coding change: c.1803C>T on transcript NM_001387430.1 (MANE Select); coding-DNA position 1803, C replaced by T.
Protein change: p.Leu601=; no amino-acid change (leucine 601 retained).
Molecular consequence: synonymous variant.
Genome position (GRCh38, 1-based): chr16:28,872,611, C>T. VCF-style: chr16-28872611-C-T. GRCh37 (hg19) VCF-style: chr16-28883932-C-T.
Other names: c.1803C>T, p.Leu601= (NM_001145795.2, NM_001145796.2, NM_001145797.2 and 4 more transcripts); c.795C>T, p.Leu265= (NM_001308294.2); c.1803C>T (NM_001145795.1).
Identifiers: ClinVar variation 1532475 (VCV001532475.10), dbSNP rs527954657, ClinGen allele CA7986300.
Genomic context (GRCh38, chr16:28,872,611, plus strand): 5'-GAACGAGGAGGGTCAGTGCCGGGTCCAGCACCTGTGGTTCCAGTCCATTTTCGATATGCT[C>T]GAGCACTTCCGGGTGCACCCCATCCCTTTGGAGTCGGGAGGCTCCAGTGATGTTGTCCTT-3'
Protein context (NP_001374359.1, residues 591-611): HLWFQSIFDM[Leu601=]EHFRVHPIPL

ClinVar aggregate classification (germline): Likely benign. Review status: criteria provided, single submitter (1 of 4 stars). 2 submissions from 2 submitters: Likely benign (1). 1 of the submissions does not count toward it. Last evaluated 2025-04-09.

Conditions:
SH2B1-related disorder. Also called: SH2B1-related condition.

Allele frequency attached by ClinVar (database versions not stated): ExAC 0.00012; 1000 Genomes Project 30x 0.00016; 1000 Genomes Project 0.00020.
gnomAD v4.1: 46 of 1,614,160 alleles (0.0028%); highest among the groups gnomAD compares: Admixed American, 0.045%; no homozygotes.

Submissions (2):

Labcorp Genetics (formerly Invitae), Labcorp
Classification: Likely benign. Last evaluated: 2025-04-09. Review status: criteria provided, single submitter. Criteria: Invitae Variant Classification Sherloc (09022015). Collection method: clinical testing. Allele origin: germline.

PreventionGenetics, part of Exact Sciences
Classification: Likely benign for SH2B1-related condition. Last evaluated: 2019-05-10. Review status: no assertion criteria provided. Collection method: clinical testing. Allele origin: germline. Not counted in ClinVar's aggregate classification.
Comment: This variant is classified as likely benign based on ACMG/AMP sequence variant interpretation guidelines (Richards et al. 2015 PMID: 25741868, with internal and published modifications).